The following is an entry in ClinVar:

ClinVar aggregate classification (germline): Uncertain significance (1 of 4 stars; one submission).

Submission:

CeGaT Center for Human Genetics Tuebingen
Classification: Uncertain significance. Last evaluated: 2022-06-01. Review status: criteria provided, single submitter. Criteria: CeGaT Center For Human Genetics Tuebingen Variant Classification Criteria Version 2. Collection method: clinical testing. Allele origin: germline. Affected: yes. Observed: 1 variant allele.
Comment: PCYT2: PM2, BP4

NM_002861.5(PCYT2):c.838-7C>T

Gene: PCYT2 (phosphate cytidylyltransferase 2, ethanolamine; minus strand). Cytogenetic location: 17q25.3.
Variant type: single nucleotide variant.
Coding change: c.838-7C>T on transcript NM_002861.5 (MANE Select); 7 bases into the intron before coding-DNA position 838, C replaced by T.
Molecular consequence: intron variant.
Genome position (GRCh38, 1-based): chr17:81,905,742, G>A on the plus strand (C>T on the coding strand, the complement: PCYT2 is on the minus strand). VCF-style: chr17-81905742-G-A. GRCh37 (hg19) VCF-style: chr17-79863618-G-A.
Other names: c.892-7C>T (NM_001184917.3); c.604-7C>T (NM_001256435.3, NM_001282203.2); c.742-7C>T (NM_001282204.2); c.676-7C>T (NM_001256433.3); c.715-7C>T (NM_001256434.3); c.838-7C>T (NM_001330518.2).
Identifiers: ClinVar variation 2648470 (VCV002648470.24), dbSNP rs2510043482, ClinGen allele CA2695200378.